The following is an entry in ClinVar:

ClinVar aggregate classification (germline): Uncertain significance (1 of 4 stars; one submission).

Submission:

Labcorp Genetics (formerly Invitae), Labcorp
Classification: Uncertain significance. Last evaluated: 2022-01-19. Review status: criteria provided, single submitter. Criteria: Invitae Variant Classification Sherloc (09022015). Collection method: clinical testing. Allele origin: germline.
Comment: This sequence change replaces proline, which is neutral and non-polar, with alanine, which is neutral and non-polar, at codon 176 of the ITM2B protein (p.Pro176Ala). This variant is not present in population databases (gnomAD no frequency). In summary, the available evidence is currently insufficient to determine the role of this variant in disease. Therefore, it has been classified as a Variant of Uncertain Significance. Algorithms developed to predict the effect of missense changes on protein structure and function are either unavailable or do not agree on the potential impact of this missense change (SIFT: "Tolerated"; PolyPhen-2: "Probably Damaging"; Align-GVGD: "Class C0"). This variant has not been reported in the literature in individuals affected with ITM2B-related conditions.

NM_021999.5(ITM2B):c.526C>G (p.Pro176Ala)

Gene: ITM2B (integral membrane protein 2B; plus strand). Cytogenetic location: 13q14.2.
Variant type: single nucleotide variant.
Coding change: c.526C>G on transcript NM_021999.5 (MANE Select); coding-DNA position 526, C replaced by G.
Protein change: p.Pro176Ala; replaces proline 176 with alanine.
Molecular consequence: missense variant.
Genome position (GRCh38, 1-based): chr13:48,258,198, C>G. VCF-style: chr13-48258198-C-G. GRCh37 (hg19) VCF-style: chr13-48832334-C-G.
Other names: short protein forms P176A.
Identifiers: ClinVar variation 1974953 (VCV001974953.5), dbSNP rs757109548, ClinGen allele CA388251660.